The following is an entry in ClinVar:

NM_172240.3(POC1B):c.934del (p.Arg312fs)

Genes: POC1B (POC1 centriolar protein B; minus strand), POC1B-DUSP6 (POC1B-DUSP6 readthrough; minus strand). Cytogenetic location: 12q21.33.
Variant type: Deletion.
Coding change: c.934del on transcript NM_172240.3 (MANE Select); coding-DNA position 934, one base deleted (A; older notation c.934delA).
Protein change: p.Arg312fs; shifts the reading frame from arginine 312.
Molecular consequence: frameshift variant. On other transcripts: non-coding transcript variant (2).
Genome position (GRCh38, 1-based): chr12:89,466,868, T deleted on the plus strand (A on the coding strand, the reverse complement: POC1B is on the minus strand); the first of 4 consecutive T bases (chr12:89,466,868-89,466,871); deleting any one gives the same sequence. VCF-style (leftmost placement, unchanged base first): chr12-89466867-CT-C. GRCh37 (hg19) VCF-style: chr12-89860644-CT-C.
Other names: c.808del, p.Arg270fs (NM_001199777.2); c.934del, p.Arg312fs (NM_001425771.1, NM_001425772.1); c.544del, p.Arg182fs (NM_001425773.1); short protein forms R182fs, R270fs, R312fs.
Identifiers: ClinVar variation 3611083 (VCV003611083.2).
Genomic context (GRCh38, chr12:89,466,867, plus strand): 5'-GTTCTTGGGTAGATATCAAGAAGATGTGGTGGTGAATCAAAATGTAATCTTTTGAGATTT[CT>C]TTTGGTAAGACCTTTACAATGCAATTCATCAAAGTTAGTCCTCCATAATAAGACCTATGA-3'

ClinVar aggregate classification (germline): Pathogenic (1 of 4 stars; one submission).

Submission:

Labcorp Genetics (formerly Invitae), Labcorp
Classification: Pathogenic. Last evaluated: 2025-02-03. Review status: criteria provided, single submitter. Criteria: Invitae Variant Classification Sherloc (09022015). Collection method: clinical testing. Allele origin: germline.
Comment: This sequence change creates a premature translational stop signal (p.Arg312Glufs*32) in the POC1B gene. It is expected to result in an absent or disrupted protein product. Loss-of-function variants in POC1B are known to be pathogenic (PMID: 25018096, 29220607). This variant is not present in population databases (gnomAD no frequency). This premature translational stop signal has been observed in individual(s) with POC1B-related conditions (PMID: 36284670). For these reasons, this variant has been classified as Pathogenic.

Literature cited by the submitters: PubMed 25018096; PubMed 29220607; PubMed 36284670.